The following is an entry in ClinVar:

NM_014915.3(ANKRD26):c.1742T>C (p.Leu581Ser)

Gene: ANKRD26 (ankyrin repeat domain containing 26; minus strand). Cytogenetic location: 10p12.1.
Variant type: single nucleotide variant.
Coding change: c.1742T>C on transcript NM_014915.3 (MANE Select); coding-DNA position 1742, T replaced by C.
Protein change: p.Leu581Ser; replaces leucine 581 with serine.
Molecular consequence: missense variant.
Genome position (GRCh38, 1-based): chr10:27,048,873, A>G on the plus strand (T>C on the coding strand, the complement: ANKRD26 is on the minus strand). VCF-style: chr10-27048873-A-G. GRCh37 (hg19) VCF-style: chr10-27337802-A-G.
Other names: c.1742T>C, p.Leu581Ser (NM_001256053.2); short protein forms L581S.
Identifiers: ClinVar variation 3870433 (VCV003870433.1).

ClinVar aggregate classification (germline): Uncertain significance (1 of 4 stars; one submission).

Conditions:
Inborn genetic diseases. Identifiers: MedGen C0950123, MeSH D030342.

Submission:

Ambry Genetics
Classification: Uncertain significance for Inborn genetic diseases. Last evaluated: 2025-01-14. Review status: criteria provided, single submitter. Criteria: Ambry Variant Classification Scheme 2023. Collection method: clinical testing. Allele origin: germline.
Comment: The p.L581S variant (also known as c.1742T>C), located in coding exon 17 of the ANKRD26 gene, results from a T to C substitution at nucleotide position 1742. The leucine at codon 581 is replaced by serine, an amino acid with dissimilar properties. This amino acid position is conserved. In addition, this alteration is predicted to be tolerated by in silico analysis. Based on the available evidence, the clinical significance of this variant remains unclear.